The following is an entry in ClinVar:

ClinVar aggregate classification (germline): Uncertain significance (1 of 4 stars; one submission).

Allele frequency attached by ClinVar (database versions not stated): gnomAD exomes below 0.00001; ExAC 0.00001; TOPMed 0.00001.
gnomAD v4.1: 1 of 1,597,022 alleles (0.000063%); highest among the groups gnomAD compares: South Asian, 0.0011%; no homozygotes.

Submission:

Labcorp Genetics (formerly Invitae), Labcorp
Classification: Uncertain significance. Last evaluated: 2022-11-23. Review status: criteria provided, single submitter. Criteria: Invitae Variant Classification Sherloc (09022015). Collection method: clinical testing. Allele origin: germline.
Comment: In summary, the available evidence is currently insufficient to determine the role of this variant in disease. Therefore, it has been classified as a Variant of Uncertain Significance. Advanced modeling of protein sequence and biophysical properties (such as structural, functional, and spatial information, amino acid conservation, physicochemical variation, residue mobility, and thermodynamic stability) has been performed at Invitae for this missense variant, however the output from this modeling did not meet the statistical confidence thresholds required to predict the impact of this variant on SZT2 protein function. This variant has not been reported in the literature in individuals affected with SZT2-related conditions. The frequency data for this variant in the population databases is considered unreliable, as metrics indicate poor data quality at this position in the gnomAD database. This sequence change replaces tyrosine, which is neutral and polar, with cysteine, which is neutral and slightly polar, at codon 411 of the SZT2 protein (p.Tyr411Cys).

NM_001365999.1(SZT2):c.1232A>G (p.Tyr411Cys)

Gene: SZT2 (SZT2 subunit of KICSTOR complex; plus strand). Cytogenetic location: 1p34.2.
Variant type: single nucleotide variant.
Coding change: c.1232A>G on transcript NM_001365999.1 (MANE Select); coding-DNA position 1232, A replaced by G.
Protein change: p.Tyr411Cys; replaces tyrosine 411 with cysteine.
Molecular consequence: missense variant.
Genome position (GRCh38, 1-based): chr1:43,420,294, A>G. VCF-style: chr1-43420294-A-G. GRCh37 (hg19) VCF-style: chr1-43885965-A-G.
Other names: c.1232A>G, p.Tyr411Cys (NM_015284.4); short protein forms Y411C.
Identifiers: ClinVar variation 1717115 (VCV001717115.5), dbSNP rs765210028, ClinGen allele CA808356.